The following is an entry in ClinVar:

NM_032578.4(MYPN):c.3718G>A (p.Asp1240Asn)

Gene: MYPN (myopalladin; plus strand). Cytogenetic location: 10q21.3.
Variant type: single nucleotide variant.
Coding change: c.3718G>A on transcript NM_032578.4 (MANE Select); coding-DNA position 3718, G replaced by A.
Protein change: p.Asp1240Asn; replaces aspartic acid 1240 with asparagine.
Molecular consequence: missense variant. On other transcripts: non-coding transcript variant (2).
Genome position (GRCh38, 1-based): chr10:68,206,828, G>A. VCF-style: chr10-68206828-G-A. GRCh37 (hg19) VCF-style: chr10-69966585-G-A.
Other names: c.3718G>A, p.Asp1240Asn (NM_001256267.2); c.2836G>A, p.Asp946Asn (NM_001256268.2); short protein forms D1240N, D946N.
Identifiers: ClinVar variation 1935525 (VCV001935525.4), dbSNP rs759173215, ClinGen allele CA5523131.

ClinVar aggregate classification (germline): Uncertain significance (1 of 4 stars; one submission).

Conditions:
Dilated cardiomyopathy 1KK (CMD1KK). Identifiers: Orphanet 154, Orphanet 75249, MedGen C3714995, MONDO:0014100, OMIM 615248.

Allele frequency attached by ClinVar (database versions not stated): gnomAD exomes below 0.00001; ExAC 0.00001.
gnomAD v4.1: 4 of 1,614,220 alleles (0.00025%); highest among the groups gnomAD compares: Admixed American, 0.0033%; no homozygotes.

Submission:

Labcorp Genetics (formerly Invitae), Labcorp
Classification: Uncertain significance for Dilated cardiomyopathy 1KK. Last evaluated: 2022-04-17. Review status: criteria provided, single submitter. Criteria: Invitae Variant Classification Sherloc (09022015). Collection method: clinical testing. Allele origin: germline.
Comment: This variant is present in population databases (rs759173215, gnomAD 0.006%). In summary, the available evidence is currently insufficient to determine the role of this variant in disease. Therefore, it has been classified as a Variant of Uncertain Significance. Algorithms developed to predict the effect of missense changes on protein structure and function are either unavailable or do not agree on the potential impact of this missense change (SIFT: "Deleterious"; PolyPhen-2: "Probably Damaging"; Align-GVGD: "Class C0"). This variant has not been reported in the literature in individuals affected with MYPN-related conditions. This sequence change replaces aspartic acid, which is acidic and polar, with asparagine, which is neutral and polar, at codon 1240 of the MYPN protein (p.Asp1240Asn).